The following is an entry in ClinVar:

ClinVar aggregate classification (germline): Uncertain significance. Review status: criteria provided, multiple submitters, no conflicts (2 of 4 stars). 2 submissions from 2 submitters: Uncertain significance (2). Last evaluated 2025-03-06.

Allele frequency attached by ClinVar (database versions not stated): gnomAD exomes below 0.00001 and 0.00001; ExAC 0.00001; gnomAD 0.00001; TOPMed 0.00001.
gnomAD v4.1: 9 of 1,613,902 alleles (0.00056%); highest among the groups gnomAD compares: Non-Finnish European, 0.00076%; no homozygotes.

Submissions (2):

Ambry Genetics
Classification: Uncertain significance. Last evaluated: 2025-03-06. Review status: criteria provided, single submitter. Criteria: Ambry Variant Classification Scheme 2023. Collection method: clinical testing. Allele origin: germline.

Labcorp Genetics (formerly Invitae), Labcorp
Classification: Uncertain significance. Last evaluated: 2021-08-23. Review status: criteria provided, single submitter. Criteria: Invitae Variant Classification Sherloc (09022015). Collection method: clinical testing. Allele origin: germline.
Comment: This variant is present in population databases (rs769523429, ExAC 0.002%). This variant has not been reported in the literature in individuals affected with MOCS3-related conditions. Algorithms developed to predict the effect of missense changes on protein structure and function are either unavailable or do not agree on the potential impact of this missense change (SIFT: "Deleterious"; PolyPhen-2: "Probably Damaging"; Align-GVGD: "Class C0"). In summary, the available evidence is currently insufficient to determine the role of this variant in disease. Therefore, it has been classified as a Variant of Uncertain Significance. This sequence change replaces glutamic acid with glutamine at codon 209 of the MOCS3 protein (p.Glu209Gln). The glutamic acid residue is highly conserved and there is a small physicochemical difference between glutamic acid and glutamine.

NM_014484.5(MOCS3):c.625G>C (p.Glu209Gln)

Gene: MOCS3 (molybdenum cofactor synthesis 3; plus strand). Cytogenetic location: 20q13.13.
Variant type: single nucleotide variant.
Coding change: c.625G>C on transcript NM_014484.5 (MANE Select); coding-DNA position 625, G replaced by C.
Protein change: p.Glu209Gln; replaces glutamic acid 209 with glutamine.
Molecular consequence: missense variant.
Genome position (GRCh38, 1-based): chr20:50,959,467, G>C. VCF-style: chr20-50959467-G-C. GRCh37 (hg19) VCF-style: chr20-49576004-G-C.
Other names: c.625G>C (NM_014484.3); short protein forms E209Q.
Identifiers: ClinVar variation 1472513 (VCV001472513.7), dbSNP rs769523429, ClinGen allele CA9909445.
Genomic context (GRCh38, chr20:50,959,467, plus strand): 5'-GTTAATGACGCATGTGTGCTGGCGGGTCGGCCCCTCGTGTCTGCCAGTGCCTTGCGCTTC[G>C]AGGGCCAAATCACAGTCTACCATTATGACGGTGGCCCTTGCTATCGCTGCATATTCCCCC-3'
Protein context (NP_055299.1, residues 199-219): PLVSASALRF[Glu209Gln]GQITVYHYDG